The following is an entry in ClinVar:

NM_001365999.1(SZT2):c.9944C>T (p.Ser3315Phe)

Genes: SZT2 (SZT2 subunit of KICSTOR complex; plus strand), SZT2-AS1 (SZT2 antisense RNA 1; minus strand). Cytogenetic location: 1p34.2.
Variant type: single nucleotide variant.
Coding change: c.9944C>T on transcript NM_001365999.1 (MANE Select); coding-DNA position 9944, C replaced by T.
Protein change: p.Ser3315Phe; replaces serine 3315 with phenylalanine.
Molecular consequence: missense variant. On other transcripts: non-coding transcript variant (1).
Genome position (GRCh38, 1-based): chr1:43,448,459, C>T. VCF-style: chr1-43448459-C-T. GRCh37 (hg19) VCF-style: chr1-43914130-C-T.
Other names: c.9773C>T, p.Ser3258Phe (NM_015284.4); c.1385C>T, p.Ser462Phe (NM_024547.1); short protein forms S3258F, S3315F, S462F.
Identifiers: ClinVar variation 2152915 (VCV002152915.4), dbSNP rs2545870479, ClinGen allele CA340046102.

ClinVar aggregate classification (germline): Uncertain significance (1 of 4 stars; one submission).

Submission:

Labcorp Genetics (formerly Invitae), Labcorp
Classification: Uncertain significance. Last evaluated: 2022-06-22. Review status: criteria provided, single submitter. Criteria: Invitae Variant Classification Sherloc (09022015). Collection method: clinical testing. Allele origin: germline.
Comment: This sequence change replaces serine, which is neutral and polar, with phenylalanine, which is neutral and non-polar, at codon 3258 of the SZT2 protein (p.Ser3258Phe). This variant is not present in population databases (gnomAD no frequency). This variant has not been reported in the literature in individuals affected with SZT2-related conditions. In summary, the available evidence is currently insufficient to determine the role of this variant in disease. Therefore, it has been classified as a Variant of Uncertain Significance. Algorithms developed to predict the effect of missense changes on protein structure and function are either unavailable or do not agree on the potential impact of this missense change (SIFT: "Tolerated"; PolyPhen-2: "Probably Damaging"; Align-GVGD: "Class C0").